The following is an entry in ClinVar:

NM_001035.3(RYR2):c.2284A>G (p.Ser762Gly)

Gene: RYR2 (ryanodine receptor 2; plus strand). Cytogenetic location: 1q43.
Variant type: single nucleotide variant.
Coding change: c.2284A>G on transcript NM_001035.3 (MANE Select); coding-DNA position 2284, A replaced by G.
Protein change: p.Ser762Gly; replaces serine 762 with glycine.
Molecular consequence: missense variant.
Genome position (GRCh38, 1-based): chr1:237,500,791, A>G. VCF-style: chr1-237500791-A-G. GRCh37 (hg19) VCF-style: chr1-237664091-A-G.
Other names: short protein forms S762G.
Identifiers: ClinVar variation 3071536 (VCV003071536.1), dbSNP rs2545868206, ClinGen allele CA069512.

ClinVar aggregate classification (germline): Uncertain significance (1 of 4 stars; one submission).

Conditions:
Catecholaminergic polymorphic ventricular tachycardia (CVPT). Also called: Catecholamine-induced polymorphic ventricular tachycardia. Identifiers: Orphanet 3286, MedGen C5574922, MONDO:0017990.

Submission:

All of Us Research Program, National Institutes of Health
Classification: Uncertain significance for Catecholaminergic polymorphic ventricular tachycardia. Last evaluated: 2023-06-08. Review status: criteria provided, single submitter. Criteria: ACMG Guidelines, 2015. Collection method: clinical testing. Allele origin: germline. Inheritance: Autosomal dominant inheritance. Observed: 1 variant allele, 1 heterozygote.
Comment: This missense variant replaces serine with glycine at codon 762 of the RYR2 protein. Computational prediction suggests that this variant may not impact protein structure and function (internally defined REVEL score threshold <= 0.5, PMID: 27666373). To our knowledge, functional studies have not been reported for this variant. This variant has not been reported in individuals affected with RYR2-related disorders in the literature. This variant has not been identified in the general population by the Genome Aggregation Database (gnomAD). The available evidence is insufficient to determine the role of this variant in disease conclusively. Therefore, this variant is classified as a Variant of Uncertain Significance.

This study involves interpretation of variants in research participants for the purpose of population health screening. Participant phenotype was not available at the time of variant classification. Additional details can be found in publication PMID: 35346344, PMCID: PMC8962531